The following is an entry in ClinVar:

NM_001386298.1(CIC):c.7294A>G (p.Thr2432Ala)

Gene: CIC (capicua transcriptional repressor; plus strand). Cytogenetic location: 19q13.2.
Variant type: single nucleotide variant.
Coding change: c.7294A>G on transcript NM_001386298.1 (MANE Select); coding-DNA position 7294, A replaced by G.
Protein change: p.Thr2432Ala; replaces threonine 2432 with alanine.
Molecular consequence: missense variant.
Genome position (GRCh38, 1-based): chr19:42,294,931, A>G. VCF-style: chr19-42294931-A-G. GRCh37 (hg19) VCF-style: chr19-42799083-A-G.
Other names: c.4567A>G (NM_015125.3); c.7294A>G, p.Thr2432Ala (NM_001304815.2); c.7291A>G, p.Thr2431Ala (NM_001379480.1, NM_001379482.1); c.4561A>G, p.Thr1521Ala (NM_001379484.1); c.4558A>G, p.Thr1520Ala (NM_001379485.1); c.4567A>G, p.Thr1523Ala (NM_015125.5); short protein forms T1520A, T1523A, T1521A, T2431A, T2432A.
Identifiers: ClinVar variation 1393144 (VCV001393144.7), dbSNP rs1158021184, ClinGen allele CA406124753.

ClinVar aggregate classification (germline): Uncertain significance. Review status: criteria provided, multiple submitters, no conflicts (2 of 4 stars). 2 submissions from 2 submitters: Uncertain significance (2). Last evaluated 2025-11-12.

Conditions:
Inborn genetic diseases. Identifiers: MedGen C0950123, MeSH D030342.

Allele frequency attached by ClinVar (database versions not stated): gnomAD exomes below 0.00001; gnomAD 0.00001.
gnomAD v4.1: 2 of 1,599,770 alleles (0.00013%); highest among the groups gnomAD compares: Non-Finnish European, 0.00017%; no homozygotes.

Submissions (2):

Ambry Genetics
Classification: Uncertain significance for Inborn genetic diseases. Last evaluated: 2025-11-12. Review status: criteria provided, single submitter. Criteria: Ambry Variant Classification Scheme 2023. Collection method: clinical testing. Allele origin: germline.

Labcorp Genetics (formerly Invitae), Labcorp
Classification: Uncertain significance. Last evaluated: 2024-09-21. Review status: criteria provided, single submitter. Criteria: Invitae Variant Classification Sherloc (09022015). Collection method: clinical testing. Allele origin: germline.
Comment: This sequence change replaces threonine, which is neutral and polar, with alanine, which is neutral and non-polar, at codon 1523 of the CIC protein (p.Thr1523Ala). This variant is present in population databases (no rsID available, gnomAD 0.007%). This variant has not been reported in the literature in individuals affected with CIC-related conditions. ClinVar contains an entry for this variant (Variation ID: 1393144). An algorithm developed to predict the effect of missense changes on protein structure and function (PolyPhen-2) suggests that this variant is likely to be disruptive. In summary, the available evidence is currently insufficient to determine the role of this variant in disease. Therefore, it has been classified as a Variant of Uncertain Significance.